The following is an entry in ClinVar:

NM_025137.4(SPG11):c.1034T>G (p.Leu345Trp)

Gene: SPG11 (SPG11 vesicle trafficking associated, spatacsin; minus strand). Cytogenetic location: 15q21.1.
Variant type: single nucleotide variant.
Coding change: c.1034T>G on transcript NM_025137.4 (MANE Select); coding-DNA position 1034, T replaced by G.
Protein change: p.Leu345Trp; replaces leucine 345 with tryptophan.
Molecular consequence: missense variant.
Genome position (GRCh38, 1-based): chr15:44,651,913, A>C on the plus strand (T>G on the coding strand, the complement: SPG11 is on the minus strand). VCF-style: chr15-44651913-A-C. GRCh37 (hg19) VCF-style: chr15-44944111-A-C.
Other names: c.1034T>G, p.Leu345Trp (NM_001160227.2, NM_001411132.1); short protein forms L345W.
Identifiers: ClinVar variation 4986858 (VCV004986858.1).

ClinVar aggregate classification (germline): Uncertain significance (1 of 4 stars; one submission).

Conditions:
SPG11-related disorder. Also called: SPG11-related condition.

gnomAD v4.1: 5 of 1,612,078 alleles (0.00031%); highest among the groups gnomAD compares: African/African-American, 0.0067%; no homozygotes.

Submission:

PreventionGenetics, part of Exact Sciences
Classification: Uncertain significance for SPG11-related condition. Last evaluated: 2026-07-14. Review status: criteria provided, single submitter. Criteria: ACMG Guidelines, 2015. Collection method: clinical testing. Allele origin: germline.
Comment: The SPG11 c.1034T>G variant is predicted to result in the amino acid substitution p.Leu345Trp. To our knowledge, this variant has not been reported in the literature. This variant is reported in 0.011% of alleles in individuals of African descent in gnomAD. At this time, the clinical significance of this variant is uncertain due to the absence of conclusive functional and genetic evidence.